The following is an entry in ClinVar:

NM_001267550.2(TTN):c.89735T>C (p.Leu29912Pro)

Genes: TTN-AS1 (TTN antisense RNA 1; plus strand), TTN (titin; minus strand). Cytogenetic location: 2q31.2.
Variant type: single nucleotide variant.
Coding change: c.89735T>C on transcript NM_001267550.2 (MANE Select); coding-DNA position 89735, T replaced by C.
Protein change: p.Leu29912Pro; replaces leucine 29912 with proline.
Molecular consequence: missense variant.
Genome position (GRCh38, 1-based): chr2:178,553,165, A>G on the plus strand (T>C on the coding strand, the complement: TTN is on the minus strand). VCF-style: chr2-178553165-A-G. GRCh37 (hg19) VCF-style: chr2-179417892-A-G.
Other names: c.84812T>C, p.Leu28271Pro (NM_001256850.1); c.62540T>C, p.Leu20847Pro (NM_003319.4); c.82031T>C, p.Leu27344Pro (NM_133378.4); c.62915T>C, p.Leu20972Pro (NM_133432.3); c.63116T>C, p.Leu21039Pro (NM_133437.4); short protein forms L29912P, L21039P, L20972P, L28271P, L20847P, L27344P.
Identifiers: ClinVar variation 238863 (VCV000238863.8), dbSNP rs748326514, ClinGen allele CA1987875.

ClinVar aggregate classification (germline): Conflicting classifications of pathogenicity. Review status: criteria provided, conflicting classifications (1 of 4 stars). 3 submissions from 3 submitters: Uncertain significance (2); Likely benign (1). Last evaluated 2018-10-17.

Conditions:
Cardiovascular phenotype. Identifiers: MedGen CN230736.
Autosomal recessive limb-girdle muscular dystrophy type 2J (LGMDR10). Also called: Limb-girdle muscular dystrophy, type 2J; MUSCULAR DYSTROPHY, LIMB-GIRDLE, AUTOSOMAL RECESSIVE 10. Identifiers: Orphanet 140922, MedGen C1837342, MONDO:0012127, OMIM 608807.
Dilated cardiomyopathy 1G (CMD1G). Identifiers: Orphanet 154, MedGen C1858763, MONDO:0011400, OMIM 604145.

Allele frequency attached by ClinVar (database versions not stated): gnomAD exomes 0.00001 and 0.00002; TOPMed 0.00001; ExAC 0.00002.
gnomAD v4.1: 14 of 1,613,668 alleles (0.00087%); highest among the groups gnomAD compares: Admixed American, 0.0033%; no homozygotes.

Submissions (3):

Ambry Genetics
Classification: Uncertain significance for Cardiovascular phenotype. Last evaluated: 2018-10-17. Review status: criteria provided, single submitter. Criteria: Ambry Variant Classification Scheme 2023. Collection method: clinical testing. Allele origin: germline.
Comment: The p.L20847P variant (also known as c.62540T>C), located in coding exon 162 of the TTN gene, results from a T to C substitution at nucleotide position 62540. The leucine at codon 20847 is replaced by proline, an amino acid with similar properties. This amino acid position is well conserved in available vertebrate species. In addition, the in silico prediction for this alteration is inconclusive. Since supporting evidence is limited at this time, the clinical significance of this alteration remains unclear.

GeneDx
Classification: Likely benign. Last evaluated: 2018-09-20. Review status: criteria provided, single submitter. Criteria: GeneDx Variant Classification Process June 2021. Collection method: clinical testing. Allele origin: germline. Affected: yes.

Labcorp Genetics (formerly Invitae), Labcorp
Classification: Uncertain significance for Dilated cardiomyopathy 1G; Autosomal recessive limb-girdle muscular dystrophy type 2J. Last evaluated: 2016-03-11. Review status: criteria provided, single submitter. Criteria: Invitae Variant Classification Sherloc (09022015). Collection method: clinical testing. Allele origin: germline.